The following is an entry in ClinVar:

NM_004086.3(COCH):c.7G>C (p.Ala3Pro)

Gene: COCH (cochlin; plus strand). Cytogenetic location: 14q12.
Variant type: single nucleotide variant.
Coding change: c.7G>C on transcript NM_004086.3 (MANE Select); coding-DNA position 7, G replaced by C.
Protein change: p.Ala3Pro; replaces alanine 3 with proline.
Molecular consequence: missense variant.
Genome position (GRCh38, 1-based): chr14:30,874,945, G>C. VCF-style: chr14-30874945-G-C. GRCh37 (hg19) VCF-style: chr14-31344151-G-C.
Other names: c.7G>C, p.Ala3Pro (NM_001135058.2, NM_001347720.2); short protein forms A3P.
Identifiers: ClinVar variation 3376698 (VCV003376698.1).
Genomic context (GRCh38, chr14:30,874,945, plus strand): 5'-TGGCCTTGCCCGCATTCTCCCTCTCTCCCAGGTGTGAGCAGCCTATCAGTCACCATGTCC[G>C]CAGCCTGGATCCCGGCTCTCGGCCTCGGTGGGTGCGCGCCCCTCACGACCCCGGCCCCTT-3'
Protein context (NP_004077.1, residues 1-13): MS[Ala3Pro]AWIPALGLGV

ClinVar aggregate classification (germline): Uncertain significance (1 of 4 stars; one submission).

Conditions:
Autosomal dominant nonsyndromic hearing loss 9. Identifiers: Orphanet 90635, MedGen C1832425, MONDO:0011058, OMIM 601369.

gnomAD v4.1: 22 of 1,613,316 alleles (0.0014%); highest among the groups gnomAD compares: Non-Finnish European, 0.0018%; no homozygotes.

Submission:

Victorian Clinical Genetics Services, Murdoch Childrens Research Institute
Classification: Uncertain significance for Autosomal dominant nonsyndromic hearing loss 9. Last evaluated: 2022-02-02. Review status: criteria provided, single submitter. Criteria: ACMG Guidelines, 2015. Collection method: clinical testing. Allele origin: germline. Inheritance: Autosomal dominant inheritance. Affected: yes.
Comment: Based on the classification scheme VCGS_Germline_v1.3.4, this variant is classified as VUS-3C. Following criteria are met: 0103 - Dominant negative (DN) and loss of function (LoF) are known mechanisms of disease in this gene and are associated with deafness. DN is the disease mechanism for dominant deafness while LoF is for recessive deafness (PMID: 16078052, 32562050). (I) 0108 - This gene is associated with both recessive and dominant disease (OMIM). (I) 0200 - Variant is predicted to result in a missense amino acid change from alanine to proline. (I) 0251 - This variant is heterozygous. (I) 0302 - Variant is present in gnomAD (v3) <0.001 for a dominant condition (3 heterozygotes, 0 homozygotes). (SP) 0309 - An alternative amino acid change at the same position has been observed in gnomAD (v3) (1 heterozygote, 0 homozygotes). (I) 0503 - Missense variant consistently predicted to be tolerated by multiple in silico tools or not conserved in placental mammals with a minor amino acid change. (SB) 0600 - Variant is located in the annotated signal peptide (PMID: 32562050). (I) 0705 - No comparable missense variants have previous evidence for pathogenicity. (I) 0809 - Previous evidence of pathogenicity for this variant is inconclusive. This variant has been reported once as VUS (LOVD). (I) 0905 - No published segregation evidence has been identified for this variant. (I) 1007 - No published functional evidence has been identified for this variant. (I) 1208 - Inheritance information for this variant is not currently available in this individual. (I) Legend: (SP) - Supporting pathogenic, (I) - Information, (SB) - Supporting benign

Literature cited by the submitters: PubMed 16078052; PubMed 32562050.